The following is an entry in ClinVar:

NM_001127222.2(CACNA1A):c.6305G>A (p.Arg2102Lys)

Gene: CACNA1A (calcium voltage-gated channel subunit alpha1 A; minus strand). Cytogenetic location: 19p13.13.
Variant type: single nucleotide variant.
Coding change: c.6305G>A on transcript NM_001127222.2 (MANE Select); coding-DNA position 6305, G replaced by A.
Protein change: p.Arg2102Lys; replaces arginine 2102 with lysine.
Molecular consequence: missense variant.
Genome position (GRCh38, 1-based): chr19:13,210,651, C>T on the plus strand (G>A on the coding strand, the complement: CACNA1A is on the minus strand). VCF-style: chr19-13210651-C-T. GRCh37 (hg19) VCF-style: chr19-13321465-C-T.
Other names: c.6323G>A, p.Arg2108Lys (NM_000068.4, NM_023035.3); c.6308G>A, p.Arg2103Lys (NM_001127221.2); c.6314G>A, p.Arg2105Lys (NM_001174080.2); short protein forms R2103K, R2105K, R2108K, R2102K.
Identifiers: ClinVar variation 497422 (VCV000497422.12), dbSNP rs866974416, ClinGen allele CA404331371.

ClinVar aggregate classification (germline): Uncertain significance. Review status: criteria provided, multiple submitters, no conflicts (2 of 4 stars). 2 submissions from 2 submitters: Uncertain significance (2). Last evaluated 2022-02-10.

Conditions:
Episodic ataxia type 2 (EA2). Also called: ACETAZOLAMIDE-RESPONSIVE HEREDITARY PAROXYSMAL CEREBELLAR ATAXIA; ATAXIA, EPISODIC, WITH NYSTAGMUS; ATAXIA, FAMILIAL PAROXYSMAL; CEREBELLAR ATAXIA, PAROXYSMAL, ACETAZOLAMIDE-RESPONSIVE; CEREBELLOPATHY, HEREDITARY PAROXYSMAL; EPISODIC ATAXIA, NYSTAGMUS-ASSOCIATED. Identifiers: Orphanet 97, MedGen C1720416, MONDO:0007163, OMIM 108500.
Developmental and epileptic encephalopathy, 42 (DEE42A). Also called: DEVELOPMENTAL AND EPILEPTIC ENCEPHALOPATHY 42A; EPILEPTIC ENCEPHALOPATHY, EARLY INFANTILE, 42A; Epileptic encephalopathy, early infantile, 42. Identifiers: MedGen C4310716, MONDO:0014917, OMIM 617106.

Allele frequency attached by ClinVar (database versions not stated): gnomAD exomes below 0.00001; TOPMed below 0.00001.
gnomAD v4.1: 1 of 1,563,474 alleles (0.000064%); highest among the groups gnomAD compares: Non-Finnish European, 0.000087%; no homozygotes.

Submissions (2):

Labcorp Genetics (formerly Invitae), Labcorp
Classification: Uncertain significance for Developmental and epileptic encephalopathy, 42; Episodic ataxia type 2. Last evaluated: 2022-02-10. Review status: criteria provided, single submitter. Criteria: Invitae Variant Classification Sherloc (09022015). Collection method: clinical testing. Allele origin: germline.
Comment: This sequence change replaces arginine, which is basic and polar, with lysine, which is basic and polar, at codon 2103 of the CACNA1A protein (p.Arg2103Lys). In summary, the available evidence is currently insufficient to determine the role of this variant in disease. Therefore, it has been classified as a Variant of Uncertain Significance. Algorithms developed to predict the effect of missense changes on protein structure and function (SIFT, PolyPhen-2, Align-GVGD) all suggest that this variant is likely to be tolerated. ClinVar contains an entry for this variant (Variation ID: 497422). This variant has not been reported in the literature in individuals affected with CACNA1A-related conditions. This variant is not present in population databases (gnomAD no frequency).

Eurofins Ntd Llc (ga)
Classification: Uncertain significance. Last evaluated: 2016-10-06. Review status: criteria provided, single submitter. Criteria: EGL Classification Definitions 2015. Collection method: clinical testing. Allele origin: germline. Observed: 2 variant alleles, 2 heterozygotes.